The following is an entry in ClinVar:

ClinVar aggregate classification (germline): Uncertain significance (1 of 4 stars; one submission).

Conditions:
Amelocerebrohypohidrotic syndrome (KTZS). Also called: KOHLSCHUTTER SYNDROME; EPILEPSY AND YELLOW TEETH; EPILEPSY, DEMENTIA, AND AMELOGENESIS IMPERFECTA; Kohlschutter's syndrome. Identifiers: Orphanet 1946, MedGen C0406740, MONDO:0009185, OMIM 226750.

Allele frequency attached by ClinVar (database versions not stated): gnomAD 0.00001; TOPMed 0.00001.
gnomAD v4.1: 7 of 1,600,098 alleles (0.00044%); highest among the groups gnomAD compares: Admixed American, 0.01%; no homozygotes.

Submission:

Labcorp Genetics (formerly Invitae), Labcorp
Classification: Uncertain significance for Amelocerebrohypohidrotic syndrome. Last evaluated: 2021-12-02. Review status: criteria provided, single submitter. Criteria: Invitae Variant Classification Sherloc (09022015). Collection method: clinical testing. Allele origin: germline.
Comment: This sequence change replaces phenylalanine, which is neutral and non-polar, with serine, which is neutral and polar, at codon 232 of the ROGDI protein (p.Phe232Ser). This variant is present in population databases (rs776235683, gnomAD 0.02%). This variant has not been reported in the literature in individuals affected with ROGDI-related conditions. ClinVar contains an entry for this variant (Variation ID: 948480). Algorithms developed to predict the effect of missense changes on protein structure and function are either unavailable or do not agree on the potential impact of this missense change (SIFT: "Deleterious"; PolyPhen-2: "Probably Damaging"; Align-GVGD: "Class C0"). In summary, the available evidence is currently insufficient to determine the role of this variant in disease. Therefore, it has been classified as a Variant of Uncertain Significance.

NM_024589.3(ROGDI):c.695T>C (p.Phe232Ser)

Gene: ROGDI (rogdi atypical leucine zipper; minus strand). Cytogenetic location: 16p13.3.
Variant type: single nucleotide variant.
Coding change: c.695T>C on transcript NM_024589.3 (MANE Select); coding-DNA position 695, T replaced by C.
Protein change: p.Phe232Ser; replaces phenylalanine 232 with serine.
Molecular consequence: missense variant. On other transcripts: non-coding transcript variant (1).
Genome position (GRCh38, 1-based): chr16:4,797,938, A>G on the plus strand (T>C on the coding strand, the complement: ROGDI is on the minus strand). VCF-style: chr16-4797938-A-G. GRCh37 (hg19) VCF-style: chr16-4847939-A-G.
Other names: short protein forms F232S.
Identifiers: ClinVar variation 948480 (VCV000948480.5), dbSNP rs776235683, ClinGen allele CA7882549.